The following is an entry in ClinVar:

ClinVar aggregate classification (germline): Likely benign. Review status: criteria provided, multiple submitters, no conflicts (2 of 4 stars). 3 submissions from 3 submitters: Likely benign (3). Last evaluated 2025-12-09.

Conditions:
Severe combined immunodeficiency due to DNA-PKcs deficiency. Also called: IMMUNODEFICIENCY 26 WITH NEUROLOGIC ABNORMALITIES; Immunodeficiency 26 with or without neurologic abnormalities. Identifiers: Orphanet 317425, MedGen C4014833, MONDO:0014423, OMIM 615966.

Allele frequency attached by ClinVar (database versions not stated): gnomAD exomes 0.00002 and 0.00005; ESP Exome Variant Server 0.00008; ExAC 0.00011; gnomAD 0.00017 and 0.00020; TOPMed 0.00020.
gnomAD v4.1: 62 of 1,551,558 alleles (0.004%); highest among the groups gnomAD compares: African/African-American, 0.052%; no homozygotes.

Submissions (3):

Labcorp Genetics (formerly Invitae), Labcorp
Classification: Likely benign for Severe combined immunodeficiency due to DNA-PKcs deficiency. Last evaluated: 2025-12-09. Review status: criteria provided, single submitter. Criteria: Invitae Variant Classification Sherloc (09022015). Collection method: clinical testing. Allele origin: germline.

Ambry Genetics
Classification: Likely benign. Last evaluated: 2022-02-21. Review status: criteria provided, single submitter. Criteria: Ambry Variant Classification Scheme 2023. Collection method: clinical testing. Allele origin: germline.

GeneDx
Classification: Likely benign. Last evaluated: 2016-03-03. Review status: criteria provided, single submitter. Criteria: GeneDx Variant Classification (06012015). Collection method: clinical testing. Allele origin: germline. Affected: yes.
Comment: This variant is considered likely benign or benign based on one or more of the following criteria: it is a conservative change, it occurs at a poorly conserved position in the protein, it is predicted to be benign by multiple in silico algorithms, and/or has population frequency not consistent with disease.

NM_006904.7(PRKDC):c.3462G>A (p.Pro1154=)

Gene: PRKDC (protein kinase, DNA-activated, catalytic subunit; minus strand). Cytogenetic location: 8q11.21.
Variant type: single nucleotide variant.
Coding change: c.3462G>A on transcript NM_006904.7 (MANE Select); coding-DNA position 3462, G replaced by A.
Protein change: p.Pro1154=; no amino-acid change (proline 1154 retained).
Molecular consequence: synonymous variant.
Genome position (GRCh38, 1-based): chr8:47,898,472, C>T on the plus strand (G>A on the coding strand, the complement: PRKDC is on the minus strand). VCF-style: chr8-47898472-C-T. GRCh37 (hg19) VCF-style: chr8-48811032-C-T.
Other names: c.3462G>A, p.Pro1154= (NM_001081640.2).
Identifiers: ClinVar variation 384360 (VCV000384360.10), dbSNP rs368215109, ClinGen allele CA4741185.